The following is an entry in ClinVar:

ClinVar aggregate classification (germline): Uncertain significance (1 of 4 stars; one submission).

Allele frequency attached by ClinVar (database versions not stated): gnomAD exomes 0.00002; gnomAD 0.00007; TOPMed 0.00009; 1000 Genomes Project 30x 0.00031.
gnomAD v4.1: 38 of 1,512,248 alleles (0.0025%); highest among the groups gnomAD compares: Admixed American, 0.027%; no homozygotes.

Submission:

Labcorp Genetics (formerly Invitae), Labcorp
Classification: Uncertain significance. Last evaluated: 2024-06-17. Review status: criteria provided, single submitter. Criteria: Invitae Variant Classification Sherloc (09022015). Collection method: clinical testing. Allele origin: germline.
Comment: This sequence change replaces alanine, which is neutral and non-polar, with valine, which is neutral and non-polar, at codon 17 of the LRPPRC protein (p.Ala17Val). The frequency data for this variant in the population databases is considered unreliable, as metrics indicate poor data quality at this position in the gnomAD database. This variant has not been reported in the literature in individuals affected with LRPPRC-related conditions. ClinVar contains an entry for this variant (Variation ID: 2141777). Algorithms developed to predict the effect of missense changes on protein structure and function output the following: SIFT: "Not Available"; PolyPhen-2: "Not Available"; Align-GVGD: "Not Available". The valine amino acid residue is found in multiple mammalian species, which suggests that this missense change does not adversely affect protein function. In summary, the available evidence is currently insufficient to determine the role of this variant in disease. Therefore, it has been classified as a Variant of Uncertain Significance.

NM_133259.4(LRPPRC):c.50C>T (p.Ala17Val)

Gene: LRPPRC (leucine rich pentatricopeptide repeat containing; minus strand). Cytogenetic location: 2p21.
Variant type: single nucleotide variant.
Coding change: c.50C>T on transcript NM_133259.4 (MANE Select); coding-DNA position 50, C replaced by T.
Protein change: p.Ala17Val; replaces alanine 17 with valine.
Molecular consequence: missense variant.
Genome position (GRCh38, 1-based): chr2:43,995,898, G>A on the plus strand (C>T on the coding strand, the complement: LRPPRC is on the minus strand). VCF-style: chr2-43995898-G-A. GRCh37 (hg19) VCF-style: chr2-44223037-G-A.
Other names: short protein forms A17V.
Identifiers: ClinVar variation 2141777 (VCV002141777.2), dbSNP rs896539791, ClinGen allele CA46458441.